The following is an entry in ClinVar:

NM_001999.4(FBN2):c.1768C>T (p.Arg590Ter)

Gene: FBN2 (fibrillin 2; minus strand). Cytogenetic location: 5q23.3.
Variant type: single nucleotide variant.
Coding change: c.1768C>T on transcript NM_001999.4 (MANE Select); coding-DNA position 1768, C replaced by T.
Protein change: p.Arg590Ter; replaces arginine 590 with a stop codon.
Molecular consequence: nonsense.
Genome position (GRCh38, 1-based): chr5:128,377,833, G>A on the plus strand (C>T on the coding strand, the complement: FBN2 is on the minus strand). VCF-style: chr5-128377833-G-A. GRCh37 (hg19) VCF-style: chr5-127713526-G-A.
Other names: short protein forms R590*.
Identifiers: ClinVar variation 1690993 (VCV001690993.3), dbSNP rs2126958797, ClinGen allele CA360742578.

ClinVar aggregate classification (germline): Uncertain significance. Review status: criteria provided, multiple submitters, no conflicts (2 of 4 stars). 2 submissions from 2 submitters: Uncertain significance (2). Last evaluated 2026-01-12.

Conditions:
Congenital contractural arachnodactyly (CCA). Also called: BEALS SYNDROME; Beals-Hecht syndrome; Arthrogryposis, distal, type 9. Identifiers: Orphanet 115, MedGen C0220668, MONDO:0007363, OMIM 121050.

Submissions (2):

Labcorp Genetics (formerly Invitae), Labcorp
Classification: Uncertain significance for Congenital contractural arachnodactyly. Last evaluated: 2026-01-12. Review status: criteria provided, single submitter. Criteria: Invitae Variant Classification Sherloc (09022015). Collection method: clinical testing. Allele origin: germline.
Comment: This sequence change creates a premature translational stop signal (p.Arg590*) in the FBN2 gene. It is expected to result in an absent or disrupted protein product. However, the current clinical and genetic evidence is not sufficient to establish whether loss-of-function variants in FBN2 cause disease. This variant is not present in population databases (gnomAD no frequency). This variant has not been reported in the literature in individuals affected with FBN2-related conditions. ClinVar contains an entry for this variant (Variation ID: 1690993). Algorithms developed to predict the effect of sequence changes on RNA splicing suggest that this variant may disrupt the consensus splice site. In summary, the available evidence is currently insufficient to determine the role of this variant in disease. Therefore, it has been classified as a Variant of Uncertain Significance.

Laboratorio de Genetica e Diagnostico Molecular, Hospital Israelita Albert Einstein
Classification: Uncertain significance. Last evaluated: 2020-12-15. Review status: criteria provided, single submitter. Criteria: ACMG Guidelines, 2015. Collection method: clinical testing. Allele origin: germline. Affected: yes.
Comment: ACMG classification criteria: PVS1, PM2